The following is an entry in ClinVar:

ClinVar aggregate classification (germline): Uncertain significance (1 of 4 stars; one submission).

Conditions:
Alstrom syndrome (ALMS). Identifiers: Orphanet 64, MedGen C0268425, MONDO:0008763, OMIM 203800.

Submission:

Labcorp Genetics (formerly Invitae), Labcorp
Classification: Uncertain significance for Alstrom syndrome. Last evaluated: 2019-09-04. Review status: criteria provided, single submitter. Criteria: Invitae Variant Classification Sherloc (09022015). Collection method: clinical testing. Allele origin: germline.
Comment: This sequence change replaces glycine with arginine at codon 1980 of the ALMS1 protein (p.Gly1980Arg). The glycine residue is weakly conserved and there is a moderate physicochemical difference between glycine and arginine. This variant is not present in population databases (ExAC no frequency). This variant has not been reported in the literature in individuals with ALMS1-related conditions. Algorithms developed to predict the effect of missense changes on protein structure and function are either unavailable or do not agree on the potential impact of this missense change (SIFT: "Tolerated"; PolyPhen-2: "Not Available"; Align-GVGD: "Class C0"). In summary, the available evidence is currently insufficient to determine the role of this variant in disease. Therefore, it has been classified as a Variant of Uncertain Significance.

NM_001378454.1(ALMS1):c.5935G>A (p.Gly1979Arg)

Gene: ALMS1 (ALMS1 centrosome and basal body associated protein; plus strand). Cytogenetic location: 2p13.1.
Variant type: single nucleotide variant.
Coding change: c.5935G>A on transcript NM_001378454.1 (MANE Select); coding-DNA position 5935, G replaced by A.
Protein change: p.Gly1979Arg; replaces glycine 1979 with arginine.
Molecular consequence: missense variant.
Genome position (GRCh38, 1-based): chr2:73,452,462, G>A. VCF-style: chr2-73452462-G-A. GRCh37 (hg19) VCF-style: chr2-73679589-G-A.
Other names: c.5938G>A, p.Gly1980Arg (NM_015120.4); short protein forms G1979R, G1980R.
Identifiers: ClinVar variation 954066 (VCV000954066.1), dbSNP rs1671966142, ClinGen allele CA347283999.
Genomic context (GRCh38, chr2:73,452,462, plus strand): 5'-CATCTCACAGAAGAGGCTCTGAAAGTTTCACCTGTTTCTATACCAGCAGAGCAGAAGACT[G>A]GGATACCAATAGGACTGTCTAGTTCCTACTCACATTCACATAAAGAGAAACTCAAGATTT-3'
Protein context (NP_001365383.1, residues 1969-1989): PVSIPAEQKT[Gly1979Arg]IPIGLSSSYS